The following is an entry in ClinVar:

ClinVar aggregate classification (germline): Benign/Likely benign. Review status: criteria provided, multiple submitters, no conflicts (2 of 4 stars). 12 submissions from 11 submitters: Benign (7); Likely benign (4). 1 of the submissions does not count toward it. Last evaluated 2026-01-27.

Conditions:
Cardiomyopathy (CMYO). Also called: Cardiomyopathies. Identifiers: Orphanet 167848, MedGen C0878544, MONDO:0004994, HP:0001638. Inheritance: Various modes of inheritance.
Inborn genetic diseases. Identifiers: MedGen C0950123, MeSH D030342.
SGCD-related disorder. Also called: SGCD-related condition.
Autosomal recessive limb-girdle muscular dystrophy type 2F (LGMDR6). Also called: Muscular dystrophy limb-girdle with delta-sarcoglyan deficiency; MUSCULAR DYSTROPHY, LIMB-GIRDLE, AUTOSOMAL RECESSIVE 6. Identifiers: Orphanet 219, MedGen C1832525, MONDO:0011028, OMIM 601287. Disease mechanism: Affects gamma-sarcoglycan and also disrupts the integrity of the entire sarcoglycan complex..
Dilated cardiomyopathy 1L (CMD1L). Identifiers: Orphanet 154, MedGen C1847667, MONDO:0011702, OMIM 606685.

Allele frequency attached by ClinVar (database versions not stated): gnomAD exomes 0.00018; ExAC 0.00031; gnomAD 0.00095 and 0.00106; TOPMed 0.00116; ESP Exome Variant Server 0.00131; 1000 Genomes Project 0.00140; 1000 Genomes Project 30x 0.00156.
gnomAD v4.1: 278 of 1,611,860 alleles (0.017%); highest among the groups gnomAD compares: African/African-American, 0.35%; no homozygotes.

Submissions (12):

Labcorp Genetics (formerly Invitae), Labcorp
Classification: Benign for Autosomal recessive limb-girdle muscular dystrophy type 2F. Last evaluated: 2026-01-27. Review status: criteria provided, single submitter. Criteria: Invitae Variant Classification Sherloc (09022015). Collection method: clinical testing. Allele origin: germline.

Athena Diagnostics
Classification: Benign. Last evaluated: 2025-07-17. Review status: criteria provided, single submitter. Criteria: Athena Diagnostics Criteria. Collection method: clinical testing. Allele origin: unknown.
Comment: The frequency of this variant in the general population is higher than would generally be expected for pathogenic variants in this gene. Computational tools yielded predictions that this variant is unlikely to have an effect on normal RNA splicing.

Genome-Nilou Lab
Classification: Likely benign for Autosomal recessive limb-girdle muscular dystrophy type 2F. Last evaluated: 2023-02-08. Review status: criteria provided, single submitter. Criteria: ACMG Guidelines, 2015. Collection method: clinical testing. Allele origin: germline.

Genome-Nilou Lab
Classification: Likely benign for Dilated cardiomyopathy 1L. Last evaluated: 2023-02-08. Review status: criteria provided, single submitter. Criteria: ACMG Guidelines, 2015. Collection method: clinical testing. Allele origin: germline.

Ambry Genetics
Classification: Likely benign for Inborn genetic diseases. Last evaluated: 2022-05-17. Review status: criteria provided, single submitter. Criteria: Ambry Variant Classification Scheme 2023. Collection method: clinical testing. Allele origin: germline.

Women's Health and Genetics/Laboratory Corporation of America, LabCorp
Classification: Benign. Last evaluated: 2021-04-15. Review status: criteria provided, single submitter. Criteria: LabCorp Variant Classification Summary - May 2015. Collection method: clinical testing. Allele origin: germline.

Eurofins Ntd Llc (ga)
Classification: Likely benign. Last evaluated: 2016-01-21. Review status: criteria provided, single submitter. Criteria: EGL Classification Definitions 2015. Collection method: clinical testing. Allele origin: germline. Observed: 1 variant allele, 1 heterozygote.

Mayo Clinic Laboratories, Mayo Clinic
Classification: Benign. Last evaluated: 2015-10-30. Review status: criteria provided, single submitter. Criteria: ACMG Guidelines, 2015. Collection method: clinical testing. Allele origin: germline. Observed: 2 variant alleles.

CHEO Genetics Diagnostic Laboratory, Children's Hospital of Eastern Ontario
Classification: Benign for Cardiomyopathy. Last evaluated: 2015-09-17. Review status: criteria provided, single submitter. Criteria: ACMG Guidelines, 2015. Collection method: clinical testing. Allele origin: germline. Study: Canadian Open Genetics Repository.

GeneDx
Classification: Benign. Last evaluated: 2014-04-08. Review status: criteria provided, single submitter. Criteria: GeneDx Variant Classification (06012015). Collection method: clinical testing. Allele origin: germline. Affected: yes.
Comment: This variant is considered likely benign or benign based on one or more of the following criteria: it is a conservative change, it occurs at a poorly conserved position in the protein, it is predicted to be benign by multiple in silico algorithms, and/or has population frequency not consistent with disease.

Laboratory for Molecular Medicine, Mass General Brigham Personalized Medicine
Classification: Benign. Last evaluated: 2012-04-04. Review status: criteria provided, single submitter. Criteria: LMM Criteria. Collection method: clinical testing. Allele origin: germline. Observed: 1 variant allele.
Comment: proposed classification - variant undergoing re-assessment, contact laboratory

PreventionGenetics, part of Exact Sciences
Classification: Likely benign for SGCD-related condition. Last evaluated: 2020-01-02. Review status: no assertion criteria provided. Collection method: clinical testing. Allele origin: germline. Not counted in ClinVar's aggregate classification.
Comment: This variant is classified as likely benign based on ACMG/AMP sequence variant interpretation guidelines (Richards et al. 2015 PMID: 25741868, with internal and published modifications).

Literature cited by the submitters: PubMed 39624497 (cited by Athena Diagnostics).

NM_000337.6(SGCD):c.144G>C (p.Val48=)

Gene: SGCD (sarcoglycan delta; plus strand). Cytogenetic location: 5q33.3.
Variant type: single nucleotide variant.
Coding change: c.144G>C on transcript NM_000337.6 (MANE Select); coding-DNA position 144, G replaced by C.
Protein change: p.Val48=; no amino-acid change (valine 48 retained).
Molecular consequence: synonymous variant.
Genome position (GRCh38, 1-based): chr5:156,344,629, G>C. VCF-style: chr5-156344629-G-C. GRCh37 (hg19) VCF-style: chr5-155771639-G-C.
Other names: p.V48V:GTG>GTC; p.Val48=; c.141G>C, p.Val47= (NM_001128209.2); c.144G>C, p.Val48= (NM_172244.3).
Identifiers: ClinVar variation 139099 (VCV000139099.30), dbSNP rs372152495, ClinGen allele CA295653.